The following is an entry in ClinVar:

ClinVar aggregate classification (germline): Pathogenic. Review status: reviewed by expert panel (3 of 4 stars). 10 submissions from 10 submitters: Pathogenic (1). 9 of the submissions do not count toward it. Last evaluated 2016-09-08.

Conditions:
BRCA1-related cancer predisposition. Identifiers: MedGen CN377757, MONDO:0700268.
Hereditary cancer-predisposing syndrome. Also called: Hereditary Cancer Syndrome; Tumor predisposition; Neoplastic Syndromes, Hereditary; Hereditary neoplastic syndrome. Identifiers: Orphanet 140162, MedGen C0027672, MeSH D009386, MONDO:0015356.
Breast and/or ovarian cancer. Identifiers: MedGen CN221562.
Hereditary breast ovarian cancer syndrome. Also called: Hereditary breast and ovarian cancer syndrome; BRCA1- and BRCA2-Associated Hereditary Breast and Ovarian Cancer; Hereditary breast and ovarian cancer syndrome (HBOC); Hereditary breast and ovarian cancer; Hereditary breast and/or ovarian cancer syndrome; Breast and ovarian cancer. Identifiers: Orphanet 145, MedGen C0677776, MeSH D061325, MONDO:0003582. Disease mechanism: loss of function.
Breast-ovarian cancer, familial, susceptibility to, 1 (BROVCA1). Also called: BRCA1 Hereditary Breast and Ovarian Cancer; OVARIAN CANCER, SUSCEPTIBILITY TO. Identifiers: Orphanet 145, MedGen C2676676, MONDO:0011450, OMIM 604370. Disease mechanism: loss of function.

Submissions (10):

Evidence-based Network for the Interpretation of Germline Mutant Alleles (ENIGMA)
Classification: Pathogenic for Breast-ovarian cancer, familial, susceptibility to, 1. Last evaluated: 2016-09-08. Review status: reviewed by expert panel. Criteria: ENIGMA BRCA1/2 Classification Criteria (2015). Collection method: curation. Allele origin: germline.
Comment: Variant allele predicted to encode a truncated non-functional protein.

Dasa
Classification: Pathogenic. Last evaluated: 2025-09-30. Review status: criteria provided, single submitter. Criteria: DASA Assertion Criteria. Collection method: clinical testing. Allele origin: germline. Not counted in ClinVar's aggregate classification.
Comment: NM_007294.4(BRCA1):c.5106del (p.Lys1702Asnfs*4) is a frameshift variant in BRCA1 predicted to alter the reading frame and introduce a premature termination codon and is predicted to result in an absent or altered protein product. Loss of function is an established disease mechanism for BRCA1 (PMID: 32375709; PMID: 21989022; PMID: 11802209). The affected residue or protein region has prior evidence supporting clinical relevance. Also, this variant is absent from population databases. Based on the currently available evidence, this variant is classified as pathogenic.

Ambry Genetics
Classification: Pathogenic for Hereditary cancer-predisposing syndrome. Last evaluated: 2025-06-23. Review status: criteria provided, single submitter. Criteria: Ambry Variant Classification Scheme 2023. Collection method: clinical testing. Allele origin: germline. Not counted in ClinVar's aggregate classification.
Comment: The c.5106delA pathogenic mutation, located in coding exon 16 of the BRCA1 gene, results from a deletion of one nucleotide at nucleotide position 5106, causing a translational frameshift with a predicted alternate stop codon (p.K1702Nfs*4). This variant has been identified in an Italian breast/ovarian cancer family (Nedelcu R, Eur. J. Hum. Genet. 2002 Feb; 10(2):150-2). This variant is considered to be rare based on population cohorts in the Genome Aggregation Database (gnomAD). In addition to the clinical data presented in the literature, this alteration is expected to result in loss of function by premature protein truncation or nonsense-mediated mRNA decay. As such, this alteration is interpreted as a disease-causing mutation.

All of Us Research Program, National Institutes of Health
Classification: Pathogenic for BRCA1-related cancer predisposition. Last evaluated: 2024-06-27. Review status: criteria provided, single submitter. Criteria: ACMG Guidelines, 2015. Collection method: clinical testing. Allele origin: germline. Inheritance: Autosomal dominant inheritance. Observed: 2 variant alleles, 2 heterozygotes. Not counted in ClinVar's aggregate classification.
Comment: This variant deletes 1 nucleotide in exon 17 of the BRCA1 gene, creating a frameshift and premature translation stop signal. This variant is expected to result in an absent or non-functional protein product. This variant has been reported in an individual affected with ovarian cancer and two families affected with breast and/or ovarian cancer (PMID: 11938448, 17148771, 32438681). This variant has not been identified in the general population by the Genome Aggregation Database (gnomAD). Loss of BRCA1 function is a known mechanism of disease. Based on the available evidence, this variant is classified as Pathogenic.

This study involves interpretation of variants in research participants for the purpose of population health screening. Participant phenotype was not available at the time of variant classification. Additional details can be found in publication PMID: 35346344, PMCID: PMC8962531

Labcorp Genetics (formerly Invitae), Labcorp
Classification: Pathogenic for Hereditary breast ovarian cancer syndrome. Last evaluated: 2022-09-01. Review status: criteria provided, single submitter. Criteria: Invitae Variant Classification Sherloc (09022015). Collection method: clinical testing. Allele origin: germline. Not counted in ClinVar's aggregate classification.
Comment: For these reasons, this variant has been classified as Pathogenic. ClinVar contains an entry for this variant (Variation ID: 55402). This variant is also known as 5225delA. This premature translational stop signal has been observed in individual(s) with breast/ovarian cancer (PMID: 11938448, 17148771). This variant is not present in population databases (gnomAD no frequency). This sequence change creates a premature translational stop signal (p.Lys1702Asnfs*4) in the BRCA1 gene. It is expected to result in an absent or disrupted protein product. Loss-of-function variants in BRCA1 are known to be pathogenic (PMID: 20104584).

GeneDx
Classification: Pathogenic. Last evaluated: 2022-07-26. Review status: criteria provided, single submitter. Criteria: GeneDx Variant Classification Process June 2021. Collection method: clinical testing. Allele origin: germline. Affected: yes. Not counted in ClinVar's aggregate classification.
Comment: Frameshift variant predicted to result in protein truncation or nonsense mediated decay in a gene for which loss of function is a known mechanism of disease; Not observed at significant frequency in large population cohorts (gnomAD); Truncating variants in this gene are considered pathogenic by a well-established clinical consortium and/or database; Also known as 5225del; This variant is associated with the following publications: (PMID: 11938448, 32341426, 17148771, 32438681, 31853058)

Consortium of Investigators of Modifiers of BRCA1/2 (CIMBA), c/o University of Cambridge
Classification: Pathogenic for Breast-ovarian cancer, familial, susceptibility to, 1. Last evaluated: 2015-10-02. Review status: criteria provided, single submitter. Criteria: CIMBA Mutation Classification guidelines May 2016. Collection method: clinical testing. Allele origin: germline. Not counted in ClinVar's aggregate classification.

Foulkes Cancer Genetics LDI, Lady Davis Institute for Medical Research
Classification: Pathogenic for Breast and/or ovarian cancer. Last evaluated: 2015-09-16. Review status: no assertion criteria provided. Collection method: clinical testing. Allele origin: germline. Study: The Canadian Open Genetics Repository (COGR). Not counted in ClinVar's aggregate classification.

Research Molecular Genetics Laboratory, Women's College Hospital, University of Toronto
Classification: Pathogenic for Hereditary breast ovarian cancer syndrome. Last evaluated: 2014-01-31. Review status: no assertion criteria provided. Collection method: research. Allele origin: germline. Affected: yes. Study: The Canadian Open Genetics Repository (COGR). Not counted in ClinVar's aggregate classification.

Breast Cancer Information Core (BIC) (BRCA1)
Classification: Pathogenic for Breast-ovarian cancer, familial 1. Last evaluated: 2002-05-29. Review status: no assertion criteria provided. Collection method: clinical testing. Allele origin: germline. Affected: yes. Observed: 1 variant allele. Not counted in ClinVar's aggregate classification.

Literature cited by the submitters: PubMed 32375709 (cited by Dasa); PubMed 21989022 (cited by Dasa); PubMed 11802209 (cited by Dasa); PubMed 11938448 (cited by 3 submitters); PubMed 17148771 (cited by All of Us Research Program, National Institutes of Health and Labcorp Genetics (formerly Invitae), Labcorp); PubMed 32438681 (cited by All of Us Research Program, National Institutes of Health); PubMed 20104584 (cited by Labcorp Genetics (formerly Invitae), Labcorp).

NM_007294.4(BRCA1):c.5106del (p.Lys1702fs)

Gene: BRCA1 (BRCA1 DNA repair associated; minus strand). Cytogenetic location: 17q21.31.
Variant type: Deletion.
Coding change: c.5106del on transcript NM_007294.4 (MANE Select); coding-DNA position 5106, one base deleted (A; older notation c.5106delA).
Protein change: p.Lys1702fs; shifts the reading frame from lysine 1702.
Molecular consequence: frameshift variant. On other transcripts: non-coding transcript variant (1).
Genome position (GRCh38, 1-based): chr17:43,063,920, T deleted on the plus strand (A on the coding strand, the reverse complement: BRCA1 is on the minus strand); the first of 3 consecutive T bases (chr17:43,063,920-43,063,922); deleting any one gives the same sequence. VCF-style (leftmost placement, unchanged base first): chr17-43063919-AT-A. GRCh37 (hg19) VCF-style: chr17-41215936-AT-A.
Other names: 5225delA; c.5106delA (NM_007294.3); c.1585delA, p.Lys529Asnfs (NM_001408480.1, NM_001408478.1, NM_001408479.1); c.1582delA, p.Lys528Asnfs (NM_001408481.1, NM_001408482.1, NM_001408483.1 and 5 more transcripts); c.1579delA, p.Lys527Asnfs (NM_001408492.1, NM_001408493.1); c.1555delA, p.Lys519Asnfs (NM_001408494.1); c.1549delA, p.Lys517Asnfs (NM_001408495.1); c.1531delA, p.Lys511Asnfs (NM_001408496.1, NM_001408497.1, NM_001408498.1 and 3 more transcripts); and 76 more; short protein forms K1655fs, K1702fs, K598fs, K1723fs.
Identifiers: ClinVar variation 55402 (VCV000055402.62), dbSNP rs80357553, ClinGen allele CA003243.